The following is an entry in ClinVar:

NM_018192.4(P3H2):c.1387C>T (p.Gln463Ter)

Gene: P3H2 (prolyl 3-hydroxylase 2; minus strand). Cytogenetic location: 3q28.
Variant type: single nucleotide variant.
Coding change: c.1387C>T on transcript NM_018192.4 (MANE Select); coding-DNA position 1387, C replaced by T.
Protein change: p.Gln463Ter; replaces glutamine 463 with a stop codon.
Molecular consequence: nonsense.
Genome position (GRCh38, 1-based): chr3:189,974,623, G>A on the plus strand (C>T on the coding strand, the complement: P3H2 is on the minus strand). VCF-style: chr3-189974623-G-A. GRCh37 (hg19) VCF-style: chr3-189692412-G-A.
Other names: c.1387C>T (NM_018192.3); c.844C>T, p.Gln282Ter (NM_001134418.2); short protein forms Q282*, Q463*.
Identifiers: ClinVar variation 1069290 (VCV001069290.6), dbSNP rs1440913446, ClinGen allele CA355754087.
Genomic context (GRCh38, chr3:189,974,623, plus strand): 5'-CCACGCTGTGGAGCTCCCGGCACTGTTCTTCCGACAGGACGTTATCCAGGAGAACCCGCT[G>A]AGTCCCGTTCAGCTGCTCCGAGTTGTAGACGAATGTGATGTTCTCATAGAGTAGAGGACC-3'

ClinVar aggregate classification (germline): Pathogenic/Likely pathogenic. Review status: criteria provided, multiple submitters, no conflicts (2 of 4 stars). 2 submissions from 2 submitters: Pathogenic (1); Likely pathogenic (1). Last evaluated 2024-11-19.

Conditions:
P3H2-related disorder. Also called: P3H2-related condition.

Allele frequency attached by ClinVar (database versions not stated): gnomAD exomes below 0.00001; TOPMed 0.00002; gnomAD 0.00003.
gnomAD v4.1: 6 of 1,614,042 alleles (0.00037%); highest among the groups gnomAD compares: Non-Finnish European, 0.00051%; no homozygotes.

Submissions (2):

Labcorp Genetics (formerly Invitae), Labcorp
Classification: Pathogenic. Last evaluated: 2024-11-19. Review status: criteria provided, single submitter. Criteria: Invitae Variant Classification Sherloc (09022015). Collection method: clinical testing. Allele origin: germline.
Comment: This sequence change creates a premature translational stop signal (p.Gln463*) in the P3H2 gene. It is expected to result in an absent or disrupted protein product. Loss-of-function variants in P3H2 are known to be pathogenic (PMID: 24172257, 25469533). This variant is present in population databases (no rsID available, gnomAD 0.0009%). This variant has not been reported in the literature in individuals affected with P3H2-related conditions. ClinVar contains an entry for this variant (Variation ID: 1069290). For these reasons, this variant has been classified as Pathogenic.

PreventionGenetics, part of Exact Sciences
Classification: Likely pathogenic for P3H2-related condition. Last evaluated: 2023-01-06. Review status: criteria provided, single submitter. Criteria: ACMG Guidelines, 2015. Collection method: clinical testing. Allele origin: germline.
Comment: The P3H2 c.1387C>T variant is predicted to result in premature protein termination (p.Gln463*). To our knowledge, this variant has not been reported in the literature. This variant is reported in 0.00088% of alleles in individuals of European (Non-Finnish) descent in gnomAD. Nonsense variants in P3H2 are expected to be pathogenic. This variant is interpreted as likely pathogenic.

Literature cited by the submitters: PubMed 24172257 (cited by Labcorp Genetics (formerly Invitae), Labcorp); PubMed 25469533 (cited by Labcorp Genetics (formerly Invitae), Labcorp).